The following is an entry in ClinVar:

NM_000138.5(FBN1):c.268G>A (p.Gly90Arg)

Gene: FBN1 (fibrillin 1; minus strand). Cytogenetic location: 15q21.1.
Variant type: single nucleotide variant.
Coding change: c.268G>A on transcript NM_000138.5 (MANE Select); coding-DNA position 268, G replaced by A.
Protein change: p.Gly90Arg; replaces glycine 90 with arginine.
Molecular consequence: missense variant.
Genome position (GRCh38, 1-based): chr15:48,610,806, C>T on the plus strand (G>A on the coding strand, the complement: FBN1 is on the minus strand). VCF-style: chr15-48610806-C-T. GRCh37 (hg19) VCF-style: chr15-48903003-C-T.
Other names: c.268G>A, p.Gly90Arg (NM_001406716.1, NM_001406717.1); short protein forms G90R.
Identifiers: ClinVar variation 2773405 (VCV002773405.2), dbSNP rs2505775795, ClinGen allele CA392447093.

ClinVar aggregate classification (germline): Uncertain significance (1 of 4 stars; one submission).

Conditions:
Familial thoracic aortic aneurysm and aortic dissection (TAAD). Also called: Thoracic aortic aneurysms and dissections. Identifiers: Orphanet 91387, MedGen C4707243, MONDO:0019625.

Submission:

Color Diagnostics, LLC DBA Color Health
Classification: Uncertain significance for Familial thoracic aortic aneurysm and aortic dissection. Last evaluated: 2023-08-07. Review status: criteria provided, single submitter. Criteria: ACMG Guidelines, 2015. Collection method: clinical testing. Allele origin: germline.
Comment: This missense variant replaces glycine with arginine at codon 90 of the FBN1 protein. Computational prediction is inconclusive regarding the impact of this variant on protein structure and function (internally defined REVEL score threshold 0.5 < inconclusive < 0.7, PMID: 27666373). To our knowledge, functional studies have not been reported for this variant. This variant has not been reported in individuals affected with FBN1-related disorders in the literature. This variant has not been identified in the general population by the Genome Aggregation Database (gnomAD). The available evidence is insufficient to determine the role of this variant in disease conclusively. Therefore, this variant is classified as a Variant of Uncertain Significance.